The following is an entry in ClinVar:

ClinVar aggregate classification (germline): Benign. Review status: criteria provided, multiple submitters, no conflicts (2 of 4 stars). 3 submissions from 3 submitters: Benign (3). Last evaluated 2018-06-26.

Conditions:
Parkinson disease 13, autosomal dominant, susceptibility to. Identifiers: Orphanet 2828, MedGen C1853202, MONDO:0012466, OMIM 610297.

Allele frequency attached by ClinVar (database versions not stated): gnomAD 0.10907 and 0.11203; gnomAD exomes 0.11309 and 0.14596; 1000 Genomes Project 0.04673; 1000 Genomes Project 30x 0.04731; ESP Exome Variant Server 0.10325; ExAC 0.15263; TOPMed 0.09132.
gnomAD v4.1: 225,100 of 1,588,962 alleles (14%); highest among the groups gnomAD compares: Non-Finnish European, 16%; 18,535 homozygotes.

Submissions (3):

GeneDx
Classification: Benign. Last evaluated: 2018-06-26. Review status: criteria provided, single submitter. Criteria: GeneDx Variant Classification Process June 2021. Collection method: clinical testing. Allele origin: germline. Affected: yes.

Illumina Laboratory Services, Illumina
Classification: Benign for Parkinson disease 13, autosomal dominant, susceptibility to. Last evaluated: 2018-01-13. Review status: criteria provided, single submitter. Criteria: ICSL Variant Classification Criteria 13 December 2019. Collection method: clinical testing. Allele origin: germline.
Comment: This variant was observed in the ICSL laboratory as part of a predisposition screen in an ostensibly healthy population. It had not been previously curated by ICSL or reported in the Human Gene Mutation Database (HGMD: prior to June 1st, 2018), and was therefore a candidate for classification through an automated scoring system. Utilizing variant allele frequency, disease prevalence and penetrance estimates, and inheritance mode, an automated score was calculated to assess if this variant is too frequent to cause the disease. Based on the score and internal cut-off values, a variant classified as benign is not then subjected to further curation. The score for this variant resulted in a classification of benign for this disease.

Breakthrough Genomics
Classification: Benign. Review status: criteria provided, single submitter. Criteria: ACMG Guidelines, 2015. Collection method: not provided. Allele origin: germline. Inheritance: Unknown mechanism. Affected: yes.

NM_013247.4(HTRA2):c.-586G>C

Genes: AUP1 (AUP1 lipid droplet regulating VLDL assembly factor; minus strand), HTRA2 (HtrA serine peptidase 2; plus strand). Cytogenetic location: 2p13.1.
Variant type: single nucleotide variant.
Coding change: c.-586G>C on transcript NM_013247.4; 586 bases upstream of the start codon, G replaced by C.
Molecular consequence: synonymous variant (on NM_181575.5). On other transcripts: 5 prime UTR variant (3), non-coding transcript variant (6).
Genome position (GRCh38, 1-based): chr2:74,529,421, G>C. VCF-style: chr2-74529421-G-C. GRCh37 (hg19) VCF-style: chr2-74756548-G-C.
Other names: c.-586G>C (NM_001321727.1, NM_001321728.1, NM_145074.2); c.129C>G, p.Leu43= (NM_181575.5).
Identifiers: ClinVar variation 337116 (VCV000337116.10), dbSNP rs1183739, ClinGen allele CA1728193.